The following is an entry in ClinVar:

NM_000875.5(IGF1R):c.640+56664A>G

Gene: IGF1R (insulin like growth factor 1 receptor; plus strand). Cytogenetic location: 15q26.3.
Variant type: single nucleotide variant.
Coding change: c.640+56664A>G on transcript NM_000875.5 (MANE Select); 56664 bases into the intron after coding-DNA position 640, A replaced by G.
Molecular consequence: intron variant.
Genome position (GRCh38, 1-based): chr15:98,764,771, A>G. VCF-style: chr15-98764771-A-G. GRCh37 (hg19) VCF-style: chr15-99308000-A-G.
Other names: c.640+56664A>G (NM_001291858.2).
Identifiers: ClinVar variation 4855410 (VCV004855410.1).

ClinVar aggregate classification (germline): Uncertain significance (1 of 4 stars; one submission).

Conditions:
Growth delay due to insulin-like growth factor I resistance. Also called: IGF-I RESISTANCE; Somatomedin end-organ insensitivity to; Somatomedin-c resistance to; IGF-1 resistance; Insulin-Like Growth Factor I Resistance. Identifiers: Orphanet 73273, MedGen C1849157, MONDO:0010038, OMIM 270450.

Submission:

3billion
Classification: Uncertain significance for Growth delay due to insulin-like growth factor I resistance. Last evaluated: 2025-09-29. Review status: criteria provided, single submitter. Criteria: ACMG Guidelines, 2015. Collection method: clinical testing. Allele origin: germline. Affected: yes.
Comment: The variant is not observed in the gnomAD v4.1.0 dataset. Predicted Consequence/Location: Intron variant In silico tools predict the variant to alter splicing and produce an abnormal transcript [SpliceAI: 0.87 (>=0.2, moderate evidence for spliceogenicity)]. Therefore, this variant is classified as VUS according to the recommendation of ACMG/AMP guideline.